The following is an entry in ClinVar:

ClinVar aggregate classification (germline): Likely benign (1 of 4 stars; one submission).

gnomAD v4.1: 30 of 1,590,588 alleles (0.0019%); highest among the groups gnomAD compares: Admixed American, 0.051%; 1 homozygote.

Submission:

CeGaT Center for Human Genetics Tuebingen
Classification: Likely benign. Last evaluated: 2025-05-01. Review status: criteria provided, single submitter. Criteria: CeGaT Center For Human Genetics Tuebingen Variant Classification Criteria Version 2. Collection method: clinical testing. Allele origin: germline. Affected: yes. Observed: 1 variant allele.
Comment: SETD1A: BP4, BP7

NM_014712.3(SETD1A):c.3039G>T (p.Ser1013=)

Gene: SETD1A (SET domain containing 1A, histone lysine methyltransferase; plus strand). Cytogenetic location: 16p11.2.
Variant type: single nucleotide variant.
Coding change: c.3039G>T on transcript NM_014712.3 (MANE Select); coding-DNA position 3039, G replaced by T.
Protein change: p.Ser1013=; no amino-acid change (serine 1013 retained).
Molecular consequence: synonymous variant.
Genome position (GRCh38, 1-based): chr16:30,971,400, G>T. VCF-style: chr16-30971400-G-T. GRCh37 (hg19) VCF-style: chr16-30982721-G-T.
Identifiers: ClinVar variation 3905809 (VCV003905809.10).